The following is an entry in ClinVar:

ClinVar aggregate classification (germline): Conflicting classifications of pathogenicity. Review status: criteria provided, conflicting classifications (1 of 4 stars). 4 submissions from 4 submitters: Uncertain significance (3); Benign (1). Last evaluated 2023-11-01.

Conditions:
Arrhythmogenic right ventricular dysplasia 8 (ARVD8). Also called: Arrhythmogenic Right Ventricular Dysplasia/Cardiomyopathy 8; ARRHYTHMOGENIC RIGHT VENTRICULAR DYSPLASIA, FAMILIAL, 8; ARRHYTHMOGENIC RIGHT VENTRICULAR CARDIOMYOPATHY 8. Identifiers: MedGen C1843896, MONDO:0011831, OMIM 607450.
Arrhythmogenic cardiomyopathy with wooly hair and keratoderma. Also called: PALMOPLANTAR KERATODERMA WITH LEFT VENTRICULAR CARDIOMYOPATHY AND WOOLLY HAIR; Carvajal syndrome; Dilated cardiomyopathy with woolly hair and keratoderma; Arrhythmogenic cardiomyopathy with woolly hair and keratoderma. Identifiers: Orphanet 65282, MedGen C1854063, MONDO:0011581, OMIM 605676.
Cardiovascular phenotype. Identifiers: MedGen CN230736.
Cardiomyopathy (CMYO). Also called: Cardiomyopathies. Identifiers: Orphanet 167848, MedGen C0878544, MONDO:0004994, HP:0001638. Inheritance: Various modes of inheritance.

Allele frequency attached by ClinVar (database versions not stated): gnomAD 0.00001; gnomAD exomes 0.00002 and 0.00005; ExAC 0.00007.
gnomAD v4.1: 27 of 1,613,416 alleles (0.0017%); highest among the groups gnomAD compares: South Asian, 0.03%; no homozygotes.

Submissions (4):

Labcorp Genetics (formerly Invitae), Labcorp
Classification: Benign for Arrhythmogenic cardiomyopathy with wooly hair and keratoderma; Arrhythmogenic right ventricular dysplasia 8. Last evaluated: 2023-11-01. Review status: criteria provided, single submitter. Criteria: Invitae Variant Classification Sherloc (09022015). Collection method: clinical testing. Allele origin: germline.

All of Us Research Program, National Institutes of Health
Classification: Uncertain significance for Arrhythmogenic cardiomyopathy with wooly hair and keratoderma. Last evaluated: 2023-06-08. Review status: criteria provided, single submitter. Criteria: ACMG Guidelines, 2015. Collection method: clinical testing. Allele origin: germline. Inheritance: Autosomal dominant inheritance. Observed: 1 variant allele, 1 heterozygote.
Comment: This missense variant replaces alanine with threonine at codon 1741 of the DSP protein. Computational prediction suggests that this variant may not impact protein structure and function (internally defined REVEL score threshold <= 0.5, PMID: 27666373). To our knowledge, functional studies have not been reported for this variant. This variant has been reported in an individual affected with hypertrophic cardiomyopathy (PMID: 25351510). This variant has also been identified in 13/251136 chromosomes in the general population by the Genome Aggregation Database (gnomAD). The available evidence is insufficient to determine the role of this variant in disease conclusively. Therefore, this variant is classified as a Variant of Uncertain Significance.

This study involves interpretation of variants in research participants for the purpose of population health screening. Participant phenotype was not available at the time of variant classification. Additional details can be found in publication PMID: 35346344, PMCID: PMC8962531

Color Diagnostics, LLC DBA Color Health
Classification: Uncertain significance for Cardiomyopathy. Last evaluated: 2022-09-06. Review status: criteria provided, single submitter. Criteria: ACMG Guidelines, 2015. Collection method: clinical testing. Allele origin: germline.
Comment: This missense variant replaces alanine with threonine at codon 1741 of the DSP protein. Computational prediction suggests that this variant may not impact protein structure and function (internally defined REVEL score threshold <= 0.5, PMID: 27666373). To our knowledge, functional studies have not been reported for this variant. This variant has been reported in an individual affected with hypertrophic cardiomyopathy (PMID: 25351510). This variant has also been identified in 13/251136 chromosomes in the general population by the Genome Aggregation Database (gnomAD). The available evidence is insufficient to determine the role of this variant in disease conclusively. Therefore, this variant is classified as a Variant of Uncertain Significance.

Ambry Genetics
Classification: Uncertain significance for Cardiovascular phenotype. Last evaluated: 2021-02-01. Review status: criteria provided, single submitter. Criteria: Ambry Variant Classification Scheme 2023. Collection method: clinical testing. Allele origin: germline.
Comment: The p.A1741T variant (also known as c.5221G>A), located in coding exon 23 of the DSP gene, results from a G to A substitution at nucleotide position 5221. The alanine at codon 1741 is replaced by threonine, an amino acid with similar properties. This amino acid position is not well conserved in available vertebrate species, and threonine is the reference amino acid in other vertebrate species. In addition, this alteration is predicted to be tolerated by in silico analysis. Since supporting evidence is limited at this time, the clinical significance of this alteration remains unclear.

Literature cited by the submitters: PubMed 25351510 (cited by All of Us Research Program, National Institutes of Health and Color Diagnostics, LLC DBA Color Health).

NM_004415.4(DSP):c.5221G>A (p.Ala1741Thr)

Gene: DSP (desmoplakin; plus strand). Cytogenetic location: 6p24.3.
Variant type: single nucleotide variant.
Coding change: c.5221G>A on transcript NM_004415.4 (MANE Select); coding-DNA position 5221, G replaced by A.
Protein change: p.Ala1741Thr; replaces alanine 1741 with threonine.
Molecular consequence: missense variant. On other transcripts: intron variant (2).
Genome position (GRCh38, 1-based): chr6:7,581,411, G>A. VCF-style: chr6-7581411-G-A. GRCh37 (hg19) VCF-style: chr6-7581644-G-A.
Other names: c.4050+1171G>A (NM_001319034.2); c.3583-1231G>A (NM_001008844.3); short protein forms A1741T.
Identifiers: ClinVar variation 923516 (VCV000923516.17), dbSNP rs777773801, ClinGen allele CA044312.
Genomic context (GRCh38, chr6:7,581,411, plus strand): 5'-GAAGAAGAACTGCGGAACCTGAGGCTGGAGTACGATGACCTGAGGAGAGGACGAAGCGAA[G>A]CGGACAGTGATAAAAATGCAACCATCTTGGAACTAAGGAGCCAGCTGCAGATCAGCAACA-3'
Protein context (NP_004406.2, residues 1731-1751): YDDLRRGRSE[Ala1741Thr]DSDKNATILE